The following is an entry in ClinVar:

NM_015978.3(TNNI3K):c.1774C>T (p.His592Tyr)

Genes: FPGT-TNNI3K (FPGT-TNNI3K readthrough; plus strand), TNNI3K (TNNI3 interacting kinase; plus strand). Cytogenetic location: 1p31.1.
Variant type: single nucleotide variant.
Coding change: c.1774C>T on transcript NM_015978.3 (MANE Select); coding-DNA position 1774, C replaced by T.
Protein change: p.His592Tyr; replaces histidine 592 with tyrosine.
Molecular consequence: missense variant.
Genome position (GRCh38, 1-based): chr1:74,436,081, C>T. VCF-style: chr1-74436081-C-T. GRCh37 (hg19) VCF-style: chr1-74901765-C-T.
Other names: c.2077C>T, p.His693Tyr (NM_001112808.3, NM_001199327.2); c.1774C>T (NM_015978.2); short protein forms H592Y, H693Y.
Identifiers: ClinVar variation 1939549 (VCV001939549.7), dbSNP rs567089878, ClinGen allele CA24564627.

ClinVar aggregate classification (germline): Pathogenic/Likely pathogenic. Review status: criteria provided, multiple submitters, no conflicts (2 of 4 stars). 3 submissions from 3 submitters: Pathogenic (1); Likely pathogenic (1). 1 of the submissions does not count toward it. Last evaluated 2025-09-07.

Conditions:
TNNI3K-related disorder. Also called: TNNI3K-related condition.

Allele frequency attached by ClinVar (database versions not stated): gnomAD exomes below 0.00001; gnomAD 0.00004.
gnomAD v4.1: 12 of 1,552,664 alleles (0.00077%); highest among the groups gnomAD compares: Non-Finnish European, 0.00078%; no homozygotes.

Submissions (3):

Labcorp Genetics (formerly Invitae), Labcorp
Classification: Pathogenic. Last evaluated: 2025-09-07. Review status: criteria provided, single submitter. Criteria: Invitae Variant Classification Sherloc (09022015). Collection method: clinical testing. Allele origin: germline.
Comment: This sequence change replaces histidine, which is basic and polar, with tyrosine, which is neutral and polar, at codon 592 of the TNNI3K protein (p.His592Tyr). This variant is not present in population databases (gnomAD no frequency). This missense change has been observed in individuals with cardiac conduction disease with or without dilated cardiomyopathy (PMID: 37199186). ClinVar contains an entry for this variant (Variation ID: 1939549). An algorithm developed to predict the effect of missense changes on protein structure and function (PolyPhen-2) suggests that this variant is likely to be disruptive. Experimental studies have shown that this missense change affects TNNI3K function (PMID: 37199186). For these reasons, this variant has been classified as Pathogenic.

Blueprint Genetics
Classification: Likely pathogenic for TNNI3K-related disorders. Last evaluated: 2022-06-13. Review status: criteria provided, single submitter. Criteria: ACMG Guidelines, 2015. Collection method: clinical testing. Allele origin: germline. Affected: yes. Observed: 5 variant alleles.

PreventionGenetics, part of Exact Sciences
Classification: Uncertain significance for TNNI3K-related condition. Last evaluated: 2024-04-19. Review status: no assertion criteria provided. Collection method: clinical testing. Allele origin: germline. Not counted in ClinVar's aggregate classification.
Comment: The TNNI3K c.1774C>T variant is predicted to result in the amino acid substitution p.His592Tyr. This variant was reported to segregate in multiple families with a combined phenotype of dilated cardiomyopathy, cardiac conduction disease, supraventricular tachycardias, and sudden cardiac death. Functional studies suggested that this variant resulted in an increased autophosphorylation, indicating an enhanced kinase function (Pham et al. 2023. PubMed ID: 37199186). This variant has not been reported in a large population database, indicating this variant is rare. Although we suspect that this variant may be pathogenic, at this time, the clinical significance of this variant is uncertain due to the absence of conclusive functional and genetic evidence.

Literature cited by the submitters: PubMed 37199186 (cited by Labcorp Genetics (formerly Invitae), Labcorp).